The following is an entry in ClinVar:

NC_000015.9:g.(?_82511973)_(82512590_?)del

Gene: EFL1 (elongation factor like GTPase 1; minus strand). Cytogenetic location: 15q25.2.
Variant type: Deletion.
Identifiers: ClinVar variation 2426834 (VCV002426834.4).

ClinVar aggregate classification (germline): Uncertain significance (1 of 4 stars; one submission).

Submission:

Labcorp Genetics (formerly Invitae), Labcorp
Classification: Uncertain significance. Last evaluated: 2022-04-19. Review status: criteria provided, single submitter. Criteria: Invitae Variant Classification Sherloc (09022015). Collection method: clinical testing. Allele origin: germline.
Comment: This variant results in a copy number gain of the genomic region encompassing exon(s) 13-14 of the EFL1 gene. While the exact position of this variant cannot be determined from the data, sub-genic copy number gains are generally in tandem (PMID: 25640679). This variant is predicted to be out-of-frame, and may result in an absent or disrupted protein product. However, the current clinical and genetic evidence is not sufficient to establish whether loss-of-function variants in EFL1 cause disease. This variant has not been reported in the literature in individuals affected with EFL1-related conditions. In summary, the available evidence is currently insufficient to determine the role of this variant in disease. Therefore, it has been classified as a Variant of Uncertain Significance.

Literature cited by the submitters: PubMed 25640679.